The following is an entry in ClinVar:

NM_001943.5(DSG2):c.3061_3062del (p.Ser1021fs)

Genes: DSG2 (desmoglein 2; plus strand), DSG2-AS1 (DSG2 antisense RNA 1; minus strand). Cytogenetic location: 18q12.1.
Variant type: Microsatellite.
Coding change: c.3061_3062del on transcript NM_001943.5 (MANE Select); coding-DNA positions 3061 to 3062, 2 bases deleted (AG; older notation c.3061_3062delAG).
Protein change: p.Ser1021fs; shifts the reading frame from serine 1021.
Molecular consequence: frameshift variant.
Genome position (GRCh38, 1-based): chr18:31,546,447-31,546,448, AG deleted; deleting any 2 consecutive bases within chr18:31,546,441-31,546,448 gives the same sequence; the c. name uses the placement nearest the transcript's 3' end. VCF-style (leftmost placement, unchanged base first): chr18-31546440-AAG-A. GRCh37 (hg19) VCF-style: chr18-29126403-AAG-A.
Other names: c.3061_3062del (NM_001943.3); short protein forms S1021fs.
Identifiers: ClinVar variation 44310 (VCV000044310.14), dbSNP rs397516706, ClinGen allele CA021967.

ClinVar aggregate classification (germline): Uncertain significance. Review status: criteria provided, multiple submitters, no conflicts (2 of 4 stars). 5 submissions from 5 submitters: Uncertain significance (4). 1 of the submissions does not count toward it. Last evaluated 2025-08-07.

Conditions:
Cardiovascular phenotype. Identifiers: MedGen CN230736.
Arrhythmogenic right ventricular dysplasia 10. Also called: ARRHYTHMOGENIC RIGHT VENTRICULAR DYSPLASIA, FAMILIAL, 10; Arrhythmogenic Right Ventricular Dysplasia/Cardiomyopathy10; Arrhythmogenic right ventricular dysplasia/cardiomyopathy, type 10. Identifiers: MedGen C1857777, MONDO:0012434, OMIM 610193.
Dilated cardiomyopathy 1BB (CMD1BB). Also called: CARDIOMYOPATHY, DILATED, 1BB, SUSCEPTIBILITY TO. Identifiers: Orphanet 154, MedGen C2752072, MONDO:0013030, OMIM 612877.
Arrhythmogenic right ventricular cardiomyopathy (ARVD). Also called: Arrhythmogenic right ventricular dysplasia; Arrhythmogenic cardiomyopathy; Arrhythmogenic Right Ventricular Cardiomyopathy (ARVC); Cardiomyopathy, ARVC. Identifiers: Orphanet 247, MedGen C0349788, MeSH D019571, MONDO:0016587. Disease mechanism: loss of function. Inheritance: Various modes of inheritance.

Submissions (5):

GeneDx
Classification: Uncertain significance. Last evaluated: 2025-08-07. Review status: criteria provided, single submitter. Criteria: GeneDx Variant Classification Process June 2021. Collection method: clinical testing. Allele origin: germline. Affected: yes.
Comment: Reported in an individual with arrhythmogenic right ventricular cardiomyopathy in published literature (PMID: 23812740); Frameshift variant predicted to result in abnormal protein length as the last 98 amino acids are replaced with 15 different amino acids; Not observed at significant frequency in large population cohorts (gnomAD); This variant is associated with the following publications: (PMID: 23810883, 31402444, 31447099, 31847883, 23812740)

Labcorp Genetics (formerly Invitae), Labcorp
Classification: Uncertain significance for Arrhythmogenic right ventricular dysplasia 10. Last evaluated: 2024-06-12. Review status: criteria provided, single submitter. Criteria: Invitae Variant Classification Sherloc (09022015). Collection method: clinical testing. Allele origin: germline.
Comment: This sequence change creates a premature translational stop signal (p.Ser1021Leufs*16) in the DSG2 gene. While this is not anticipated to result in nonsense mediated decay, it is expected to disrupt the last 98 amino acid(s) of the DSG2 protein. This variant is present in population databases (rs397516706, gnomAD 0.008%). This premature translational stop signal has been observed in individual(s) with clinical features of arrhythmogenic right ventricular cardiomyopathy (PMID: 23810883, 23812740, 31847883). ClinVar contains an entry for this variant (Variation ID: 44310). Experimental studies and prediction algorithms are not available or were not evaluated, and the functional significance of this variant is currently unknown. This variant disrupts a region of the DSG2 protein in which other variant(s) (p.Gly1083Ser) have been observed in individuals with DSG2-related conditions (PMID: 21636032). This suggests that this is a clinically significant region of the protein, and that variants that disrupt it are likely to be disease-causing. In summary, the available evidence is currently insufficient to determine the role of this variant in disease. Therefore, it has been classified as a Variant of Uncertain Significance.

Ambry Genetics
Classification: Uncertain significance for Cardiovascular phenotype. Last evaluated: 2023-12-26. Review status: criteria provided, single submitter. Criteria: Ambry Variant Classification Scheme 2023. Collection method: clinical testing. Allele origin: germline.
Comment: The c.3061_3062delAG variant, located in coding exon 15 of the DSG2 gene, results from a deletion of two nucleotides at nucleotide positions 3061 to 3062, causing a translational frameshift with a predicted alternate stop codon (p.S1021Lfs*16). This alteration occurs at the 3' terminus of theDSG2 gene, is not expected to trigger nonsense-mediated mRNAdecay, and only impacts the last 8% of the protein. The exact functional effect of this alteration is unknown. This variant has been reported in arrhythmogenic right ventricular cardiomyopathy (ARVC) cohorts; however, clinical details were limited, and at least one case had an additional cardiac variant detected (Baskin B et al. Hum. Genet., 2013 Nov;132:1245-52; Perrin MJ et al. J. Am. Coll. Cardiol., 2013 Nov;62:1772-9; Adler A et al. Circ Arrhythm Electrophysiol, 2016 Jan;9:e003440). Since supporting evidence is limited at this time, the clinical significance of this alteration remains unclear.

Fulgent Genetics
Classification: Uncertain significance for Arrhythmogenic right ventricular dysplasia 10; Dilated cardiomyopathy 1BB. Last evaluated: 2021-11-17. Review status: criteria provided, single submitter. Criteria: ACMG Guidelines, 2015. Collection method: clinical testing. Allele origin: unknown.

Laboratory for Molecular Medicine, Mass General Brigham Personalized Medicine
Classification: Likely pathogenic for Arrhythmogenic right ventricular cardiomyopathy. Last evaluated: 2009-08-06. Review status: no assertion criteria provided. Collection method: clinical testing. Allele origin: germline. Observed: 1 variant allele. Not counted in ClinVar's aggregate classification.

Literature cited by the submitters: PubMed 23810883 (cited by Labcorp Genetics (formerly Invitae), Labcorp and Ambry Genetics); PubMed 23812740 (cited by Labcorp Genetics (formerly Invitae), Labcorp and Ambry Genetics); PubMed 31847883 (cited by Labcorp Genetics (formerly Invitae), Labcorp); PubMed 21636032 (cited by Labcorp Genetics (formerly Invitae), Labcorp); PubMed 26743238 (cited by Ambry Genetics).